The following is an entry in ClinVar:

NM_001365536.1(SCN9A):c.3349G>T (p.Val1117Leu)

Genes: SCN1A-AS1 (SCN1A and SCN9A antisense RNA 1; plus strand), SCN9A (sodium voltage-gated channel alpha subunit 9; minus strand). Cytogenetic location: 2q24.3.
Variant type: single nucleotide variant.
Coding change: c.3349G>T on transcript NM_001365536.1 (MANE Select); coding-DNA position 3349, G replaced by T.
Protein change: p.Val1117Leu; replaces valine 1117 with leucine.
Molecular consequence: missense variant.
Genome position (GRCh38, 1-based): chr2:166,272,401, C>A on the plus strand (G>T on the coding strand, the complement: SCN9A is on the minus strand). VCF-style: chr2-166272401-C-A. GRCh37 (hg19) VCF-style: chr2-167128911-C-A.
Other names: p.Val1106Leu; c.3316G>T, p.Val1106Leu (NM_002977.4); short protein forms V1106L, V1117L.
Identifiers: ClinVar variation 194737 (VCV000194737.26), dbSNP rs200817435, ClinGen allele CA240877.

ClinVar aggregate classification (germline): Uncertain significance. Review status: criteria provided, multiple submitters, no conflicts (2 of 4 stars). 11 submissions from 11 submitters: Uncertain significance (10). 1 of the submissions does not count toward it. Last evaluated 2026-09-01.

Conditions:
SCN9A-related disorder. Also called: SCN9A-related condition; SCN9A-related disorders.
Self-limited epilepsy with centrotemporal spikes. Also called: Childhood epilepsy with centrotemporal spikes; Rolandic epilepsy. Identifiers: Orphanet 1945, MedGen C0376532, MONDO:0007295.
Inborn genetic diseases. Identifiers: MedGen C0950123, MeSH D030342.
Neuropathy, hereditary sensory and autonomic, type 2A (HSAN2A). Also called: HSAN IIA; MORVAN DISEASE; NEUROPATHY, CONGENITAL SENSORY; NEUROPATHY, HEREDITARY SENSORY RADICULAR, AUTOSOMAL RECESSIVE; NEUROPATHY, HEREDITARY SENSORY, TYPE IIA; WNK1-Related HSAN2 (HSAN2A). Identifiers: Orphanet 970, MedGen C2752089, MONDO:0024309, OMIM 201300.
Generalized epilepsy with febrile seizures plus, type 7 (GEFSP7). Also called: GEFS+, TYPE 7. Identifiers: Orphanet 36387, MedGen C2751778, MONDO:0013470, OMIM 613863.

Allele frequency attached by ClinVar (database versions not stated): gnomAD exomes 0.00007 and 0.00009; TOPMed 0.00008; gnomAD 0.00009 and 0.00010; ExAC 0.00021.
gnomAD v4.1: 113 of 1,556,928 alleles (0.0073%); highest among the groups gnomAD compares: Non-Finnish European, 0.0094%; no homozygotes.

Submissions (11):

PreventionGenetics, part of Exact Sciences
Classification: Uncertain significance for SCN9A-related condition. Last evaluated: 2026-09-01. Review status: criteria provided, single submitter. Criteria: ACMG Guidelines, 2015. Collection method: clinical testing. Allele origin: germline.
Comment: The SCN9A c.3316G>T variant is predicted to result in the amino acid substitution p.Val1106Leu. This variant was reported in an individual with posterior uveitis (Suppl Table 2, Li et al. 2020. PubMed ID: 32707200) as well as in two individuals with Rolandic epilepsy (Suppl Table 1, Bobbili et al. 2018. PubMed ID: 29358611). This variant is reported in 0.022% of alleles in individuals of European (Non-Finnish) descent in gnomAD. At this time, the clinical significance of this variant is uncertain due to the absence of conclusive functional and genetic evidence.

Women's Health and Genetics/Laboratory Corporation of America, LabCorp
Classification: Uncertain significance. Last evaluated: 2026-05-11. Review status: criteria provided, single submitter. Criteria: LabCorp Variant Classification Summary - May 2015. Collection method: clinical testing. Allele origin: germline.
Comment: Variant summary: SCN9A c.3316G>T (p.Val1106Leu) results in a conservative amino acid change in the encoded protein sequence. Algorithms developed to predict the effect of missense changes on protein structure and function are either unavailable or do not agree on the potential impact of this missense change. Consensus agreement among computation tools predict no significant impact on normal splicing. However, these predictions have yet to be confirmed by functional studies. The variant allele was found at a frequency of 9.4e-05 in 211800 control chromosomes (gnomAD). This frequency is not significantly higher than estimated for disease-causing variants in SCN9A, allowing no conclusion about variant significance. c.3316G>T has been observed in individuals affected with Rolandic epilepsy or chronic neuropathic pain (e.g. Bobbili_2018, Marchi_2023). These reports do not provide unequivocal conclusions about association of the variant with SCN9A-related conditions. To our knowledge, no experimental evidence demonstrating an impact on protein function has been reported. The following publications have been ascertained in the context of this evaluation (PMID: 29358611, 37079850). ClinVar contains an entry for this variant (Variation ID: 194737). Based on the evidence outlined above, the variant was classified as uncertain significance.

Labcorp Genetics (formerly Invitae), Labcorp
Classification: Uncertain significance for Neuropathy, hereditary sensory and autonomic, type 2A; Generalized epilepsy with febrile seizures plus, type 7. Last evaluated: 2026-01-03. Review status: criteria provided, single submitter. Criteria: Invitae Variant Classification Sherloc (09022015). Collection method: clinical testing. Allele origin: germline.
Comment: This sequence change replaces valine, which is neutral and non-polar, with leucine, which is neutral and non-polar, at codon 1106 of the SCN9A protein (p.Val1106Leu). This variant is present in population databases (rs200817435, gnomAD 0.02%). This missense change has been observed in individual(s) with Rolandic epilepsy (PMID: 29358611). ClinVar contains an entry for this variant (Variation ID: 194737). An algorithm developed to predict the effect of missense changes on protein structure and function (PolyPhen-2) suggests that this variant is likely to be tolerated. In summary, the available evidence is currently insufficient to determine the role of this variant in disease. Therefore, it has been classified as a Variant of Uncertain Significance.

GeneDx
Classification: Uncertain significance. Last evaluated: 2025-03-31. Review status: criteria provided, single submitter. Criteria: GeneDx Variant Classification Process June 2021. Collection method: clinical testing. Allele origin: germline. Affected: yes.
Comment: Previously reported in a patient from a cohort of individuals with rolandic epilepsy; however additional details were not provided (PMID: 29358611); In silico analysis indicates that this missense variant does not alter protein structure/function; This variant is associated with the following publications: (PMID: 32707200, 32412666, 29358611)

Blueprint Genetics
Classification: Uncertain significance. Last evaluated: 2024-11-21. Review status: criteria provided, single submitter. Criteria: ACMG Guidelines, 2015. Collection method: clinical testing. Allele origin: germline.

Ambry Genetics
Classification: Uncertain significance for Inborn genetic diseases. Last evaluated: 2022-03-22. Review status: criteria provided, single submitter. Criteria: Ambry Variant Classification Scheme 2023. Collection method: clinical testing. Allele origin: germline.
Comment: The p.V1106L variant (also known as c.3316G>T), located in coding exon 16 of the SCN9A gene, results from a G to T substitution at nucleotide position 3316. The valine at codon 1106 is replaced by leucine, an amino acid with highly similar properties. This amino acid position is poorly conserved in available vertebrate species. In addition, this alteration is predicted to be tolerated by in silico analysis. Based on the supporting evidence, this variant is unlikely to be causative of primary erythermalgia/small fiber neuropathy and paroxysmal extreme pain disorder (PEPD); however, its contribution to the development of congenital insensitivity to pain (CIP) and hereditary sensory autonomic neuropathy type II (HSAN2D) is uncertain.

Mayo Clinic Laboratories, Mayo Clinic
Classification: Uncertain significance. Last evaluated: 2022-02-11. Review status: criteria provided, single submitter. Criteria: ACMG Guidelines, 2015. Collection method: clinical testing. Allele origin: germline. Observed: 1 variant allele.

Revvity Omics, Revvity
Classification: Uncertain significance. Last evaluated: 2021-09-07. Review status: criteria provided, single submitter. Criteria: ACMG Guidelines, 2015. Collection method: clinical testing. Allele origin: germline.

Centre for Mendelian Genomics, University Medical Centre Ljubljana
Classification: Uncertain significance for Neuropathy, hereditary sensory and autonomic, type 2A. Last evaluated: 2020-03-31. Review status: criteria provided, single submitter. Criteria: ACMG Guidelines, 2015. Collection method: clinical testing. Allele origin: unknown. Affected: yes.
Comment: This variant was classified as: Uncertain significance. The available evidence on this variant's pathogenicity is insufficient or conflicting. The following ACMG criteria were applied in classifying this variant: PP3.

Eurofins Ntd Llc (ga)
Classification: Uncertain significance. Last evaluated: 2015-05-28. Review status: criteria provided, single submitter. Criteria: EGL Classification Definitions 2015. Collection method: clinical testing. Allele origin: germline. Observed: 1 variant allele, 1 heterozygote.

Bioinformatics Core, Luxembourg Center for Systems Biomedicine
Classification: Pathogenic for Self-limited epilepsy with centrotemporal spikes. Last evaluated: 2017-01-01. Review status: no assertion criteria provided. Collection method: case-control. Allele origin: germline. Affected: yes. Study: EUROEPINOMICS COGIE. Not counted in ClinVar's aggregate classification.

Literature cited by the submitters: PubMed 29358611 (cited by 3 submitters); PubMed 37079850 (cited by Women's Health and Genetics/Laboratory Corporation of America, LabCorp).